The following is an entry in ClinVar:

ClinVar aggregate classification (germline): Likely benign. Review status: criteria provided, multiple submitters, no conflicts (2 of 4 stars). 2 submissions from 2 submitters: Likely benign (2). Last evaluated 2026-01-19.

Conditions:
Tuberous sclerosis 2 (TSC2). Identifiers: Orphanet 805, MedGen C1860707, MONDO:0013199, OMIM 613254.

gnomAD v4.1: 1 of 1,612,682 alleles (0.000062%); no homozygotes.

Submissions (2):

Labcorp Genetics (formerly Invitae), Labcorp
Classification: Likely benign for Tuberous sclerosis 2. Last evaluated: 2026-01-19. Review status: criteria provided, single submitter. Criteria: Invitae Variant Classification Sherloc (09022015). Collection method: clinical testing. Allele origin: germline.

Myriad Genetics, Inc.
Classification: Likely benign for Tuberous sclerosis 2. Last evaluated: 2025-06-06. Review status: criteria provided, single submitter. Criteria: Myriad Autosomal Dominant, Autosomal Recessive and X-Linked Classification Criteria (2023). Collection method: clinical testing. Allele origin: unknown.
Comment: This variant is considered likely benign. This variant is intronic and is not expected to impact mRNA splicing.

NM_000548.5(TSC2):c.5260-17G>A

Gene: TSC2 (TSC complex subunit 2; plus strand). Cytogenetic location: 16p13.3.
Variant type: single nucleotide variant.
Coding change: c.5260-17G>A on transcript NM_000548.5 (MANE Select); 17 bases into the intron before coding-DNA position 5260, G replaced by A.
Molecular consequence: intron variant.
Genome position (GRCh38, 1-based): chr16:2,088,429, G>A. VCF-style: chr16-2088429-G-A. GRCh37 (hg19) VCF-style: chr16-2138430-G-A.
Other names: c.5092-17G>A (NM_001318832.2); c.5059-17G>A (NM_001077183.3); c.4951-17G>A (NM_001318827.2); c.4528-17G>A (NM_001318831.2); c.4915-17G>A (NM_001318829.2); c.5191-17G>A (NM_001114382.3); c.5131-17G>A (NM_021055.3); c.5119-17G>A (NM_001370405.1); and 2 more.
Identifiers: ClinVar variation 1535141 (VCV001535141.9), dbSNP rs1476456008, ClinGen allele CA2573151983.